The following is an entry in ClinVar:

ClinVar aggregate classification (germline): Conflicting classifications of pathogenicity. Review status: criteria provided, conflicting classifications (1 of 4 stars). 4 submissions from 4 submitters: Uncertain significance (3); Likely benign (1). Last evaluated 2023-02-10.

Conditions:
Inborn genetic diseases. Identifiers: MedGen C0950123, MeSH D030342.

Allele frequency attached by ClinVar (database versions not stated): gnomAD exomes 0.00004; ExAC 0.00008; gnomAD 0.00016 and 0.00019; TOPMed 0.00021.
gnomAD v4.1: 41 of 1,595,114 alleles (0.0026%); highest among the groups gnomAD compares: African/African-American, 0.054%; no homozygotes.

Submissions (4):

Ambry Genetics
Classification: Uncertain significance for Inborn genetic diseases. Last evaluated: 2023-02-10. Review status: criteria provided, single submitter. Criteria: Ambry Variant Classification Scheme 2023. Collection method: clinical testing. Allele origin: germline.

Blueprint Genetics
Classification: Likely benign. Last evaluated: 2022-08-31. Review status: criteria provided, single submitter. Criteria: ACMG Guidelines, 2015. Collection method: clinical testing. Allele origin: germline.

Labcorp Genetics (formerly Invitae), Labcorp
Classification: Uncertain significance. Last evaluated: 2022-02-04. Review status: criteria provided, single submitter. Criteria: Invitae Variant Classification Sherloc (09022015). Collection method: clinical testing. Allele origin: germline.
Comment: This sequence change replaces glycine, which is neutral and non-polar, with alanine, which is neutral and non-polar, at codon 85 of the FLVCR1 protein (p.Gly85Ala). This variant is present in population databases (rs760414651, gnomAD 0.04%). This variant has not been reported in the literature in individuals affected with FLVCR1-related conditions. ClinVar contains an entry for this variant (Variation ID: 841285). Algorithms developed to predict the effect of missense changes on protein structure and function (SIFT, PolyPhen-2, Align-GVGD) all suggest that this variant is likely to be tolerated. In summary, the available evidence is currently insufficient to determine the role of this variant in disease. Therefore, it has been classified as a Variant of Uncertain Significance.

Athena Diagnostics
Classification: Uncertain significance. Last evaluated: 2021-10-15. Review status: criteria provided, single submitter. Criteria: Athena Diagnostics Criteria. Collection method: clinical testing. Allele origin: unknown.

NM_014053.4(FLVCR1):c.254G>C (p.Gly85Ala)

Genes: FLVCR1 (FLVCR choline and heme transporter 1; plus strand), LOC129932486 (ATAC-STARR-seq lymphoblastoid silent region 1807; plus strand). Cytogenetic location: 1q32.3.
Variant type: single nucleotide variant.
Coding change: c.254G>C on transcript NM_014053.4 (MANE Select); coding-DNA position 254, G replaced by C.
Protein change: p.Gly85Ala; replaces glycine 85 with alanine.
Molecular consequence: missense variant.
Genome position (GRCh38, 1-based): chr1:212,858,706, G>C. VCF-style: chr1-212858706-G-C. GRCh37 (hg19) VCF-style: chr1-213032048-G-C.
Other names: short protein forms G85A.
Identifiers: ClinVar variation 841285 (VCV000841285.13), dbSNP rs760414651, ClinGen allele CA1385860.